The following is an entry in ClinVar:

NM_057176.3(BSND):c.416C>T (p.Pro139Leu)

Gene: BSND (barttin CLCNK type accessory subunit beta; plus strand). Cytogenetic location: 1p32.3.
Variant type: single nucleotide variant.
Coding change: c.416C>T on transcript NM_057176.3 (MANE Select); coding-DNA position 416, C replaced by T.
Protein change: p.Pro139Leu; replaces proline 139 with leucine.
Molecular consequence: missense variant.
Genome position (GRCh38, 1-based): chr1:55,007,140, C>T. VCF-style: chr1-55007140-C-T. GRCh37 (hg19) VCF-style: chr1-55472813-C-T.
Other names: c.416C>T (NM_057176.2); short protein forms P139L.
Identifiers: ClinVar variation 2201971 (VCV002201971.3), dbSNP rs770508418, ClinGen allele CA871330.

ClinVar aggregate classification (germline): Uncertain significance. Review status: criteria provided, multiple submitters, no conflicts (2 of 4 stars). 2 submissions from 2 submitters: Uncertain significance (2). Last evaluated 2026-10-15.

Allele frequency attached by ClinVar (database versions not stated): TOPMed 0.00002; ExAC 0.00013; gnomAD 0.00005; gnomAD exomes 0.00008.

Submissions (2):

GeneDx
Classification: Uncertain significance. Last evaluated: 2026-10-15. Review status: criteria provided, single submitter. Criteria: GeneDx Variant Classification Process June 2021. Collection method: clinical testing. Allele origin: germline.
Comment: In silico analysis supports that this missense variant has a deleterious effect on protein structure/function; Has not been previously published as pathogenic or benign to our knowledge

Labcorp Genetics (formerly Invitae), Labcorp
Classification: Uncertain significance. Last evaluated: 2021-12-02. Review status: criteria provided, single submitter. Criteria: Invitae Variant Classification Sherloc (09022015). Collection method: clinical testing. Allele origin: germline.
Comment: This sequence change replaces proline, which is neutral and non-polar, with leucine, which is neutral and non-polar, at codon 139 of the BSND protein (p.Pro139Leu). This variant is present in population databases (rs770508418, gnomAD 0.1%). This variant has not been reported in the literature in individuals affected with BSND-related conditions. Algorithms developed to predict the effect of missense changes on protein structure and function output the following: SIFT: "Tolerated"; PolyPhen-2: "Benign"; Align-GVGD: "Class C0". The leucine amino acid residue is found in multiple mammalian species, which suggests that this missense change does not adversely affect protein function. In summary, the available evidence is currently insufficient to determine the role of this variant in disease. Therefore, it has been classified as a Variant of Uncertain Significance.